The following is an entry in ClinVar:

NM_006939.4(SOS2):c.1609G>A (p.Ala537Thr)

Gene: SOS2 (SOS Ras/Rho guanine nucleotide exchange factor 2; minus strand). Cytogenetic location: 14q21.3.
Variant type: single nucleotide variant.
Coding change: c.1609G>A on transcript NM_006939.4 (MANE Select); coding-DNA position 1609, G replaced by A.
Protein change: p.Ala537Thr; replaces alanine 537 with threonine.
Molecular consequence: missense variant.
Genome position (GRCh38, 1-based): chr14:50,159,674, C>T on the plus strand (G>A on the coding strand, the complement: SOS2 is on the minus strand). VCF-style: chr14-50159674-C-T. GRCh37 (hg19) VCF-style: chr14-50626392-C-T.
Other names: c.1510G>A, p.Ala504Thr (NM_001411020.1); short protein forms A504T, A537T.
Identifiers: ClinVar variation 1718993 (VCV001718993.6), dbSNP rs748632850, ClinGen allele CA389645372.

ClinVar aggregate classification (germline): Uncertain significance (1 of 4 stars; one submission).

Conditions:
Noonan syndrome 9 (NS9). Identifiers: Orphanet 648, MedGen C4225282, MONDO:0014691, OMIM 616559.

Submission:

Labcorp Genetics (formerly Invitae), Labcorp
Classification: Uncertain significance for Noonan syndrome 9. Last evaluated: 2022-09-07. Review status: criteria provided, single submitter. Criteria: Invitae Variant Classification Sherloc (09022015). Collection method: clinical testing. Allele origin: germline.
Comment: This sequence change replaces alanine, which is neutral and non-polar, with threonine, which is neutral and polar, at codon 537 of the SOS2 protein (p.Ala537Thr). In summary, the available evidence is currently insufficient to determine the role of this variant in disease. Therefore, it has been classified as a Variant of Uncertain Significance. Advanced modeling of protein sequence and biophysical properties (such as structural, functional, and spatial information, amino acid conservation, physicochemical variation, residue mobility, and thermodynamic stability) performed at Invitae indicates that this missense variant is expected to disrupt SOS2 protein function. This variant has not been reported in the literature in individuals affected with SOS2-related conditions. This variant is not present in population databases (gnomAD no frequency).